The following is an entry in ClinVar:

NM_001134831.2(AHI1):c.3217C>A (p.His1073Asn)

Gene: AHI1 (Abelson helper integration site 1; minus strand). Cytogenetic location: 6q23.3.
Variant type: single nucleotide variant.
Coding change: c.3217C>A on transcript NM_001134831.2 (MANE Select); coding-DNA position 3217, C replaced by A.
Protein change: p.His1073Asn; replaces histidine 1073 with asparagine.
Molecular consequence: missense variant.
Genome position (GRCh38, 1-based): chr6:135,323,273, G>T on the plus strand (C>A on the coding strand, the complement: AHI1 is on the minus strand). VCF-style: chr6-135323273-G-T. GRCh37 (hg19) VCF-style: chr6-135644411-G-T.
Other names: c.3217C>A, p.His1073Asn (NM_001134830.2, NM_001350503.2, NM_001350504.2 and 1 more transcripts); c.3217C>A (NM_017651.4); short protein forms H1073N.
Identifiers: ClinVar variation 1421189 (VCV001421189.8), dbSNP rs374945386, ClinGen allele CA4012068.

ClinVar aggregate classification (germline): Uncertain significance. Review status: criteria provided, multiple submitters, no conflicts (2 of 4 stars). 4 submissions from 4 submitters: Uncertain significance (4). Last evaluated 2025-10-22.

Conditions:
Inborn genetic diseases. Identifiers: MedGen C0950123, MeSH D030342.
Joubert syndrome. Also called: CEREBELLOPARENCHYMAL DISORDER IV; JOUBERT-BOLTSHAUSER SYNDROME; Familial aplasia of the vermis. Identifiers: Orphanet 475, MedGen C5979921, MONDO:0018772.
Joubert syndrome 3 (JBTS3). Also called: AHI1-related Ciliopathy. Identifiers: Orphanet 220493, MedGen C1837713, MONDO:0012078, OMIM 608629.

Allele frequency attached by ClinVar (database versions not stated): gnomAD exomes 0.00001; ExAC 0.00003; gnomAD 0.00006 and 0.00007; TOPMed 0.00006; ESP Exome Variant Server 0.00008; 1000 Genomes Project 30x 0.00016; 1000 Genomes Project 0.00020.
gnomAD v4.1: 11 of 1,613,724 alleles (0.00068%); highest among the groups gnomAD compares: African/African-American, 0.012%; no homozygotes.

Submissions (4):

Ambry Genetics
Classification: Uncertain significance for Inborn genetic diseases. Last evaluated: 2025-10-22. Review status: criteria provided, single submitter. Criteria: Ambry Variant Classification Scheme 2023. Collection method: clinical testing. Allele origin: germline.

GeneDx
Classification: Uncertain significance. Last evaluated: 2024-05-21. Review status: criteria provided, single submitter. Criteria: GeneDx Variant Classification Process June 2021. Collection method: clinical testing. Allele origin: germline. Affected: yes.
Comment: In silico analysis indicates that this missense variant does not alter protein structure/function; Has not been previously published as pathogenic or benign to our knowledge; This variant is associated with the following publications: (PMID: 15467982)

Fulgent Genetics
Classification: Uncertain significance for Joubert syndrome 3. Last evaluated: 2024-05-01. Review status: criteria provided, single submitter. Criteria: ACMG Guidelines, 2015. Collection method: clinical testing. Allele origin: germline.

Labcorp Genetics (formerly Invitae), Labcorp
Classification: Uncertain significance for Joubert syndrome. Last evaluated: 2022-08-23. Review status: criteria provided, single submitter. Criteria: Invitae Variant Classification Sherloc (09022015). Collection method: clinical testing. Allele origin: germline.
Comment: This sequence change replaces histidine, which is basic and polar, with asparagine, which is neutral and polar, at codon 1073 of the AHI1 protein (p.His1073Asn). This variant is present in population databases (rs374945386, gnomAD 0.03%). This variant has not been reported in the literature in individuals affected with AHI1-related conditions. ClinVar contains an entry for this variant (Variation ID: 1421189). Advanced modeling of protein sequence and biophysical properties (such as structural, functional, and spatial information, amino acid conservation, physicochemical variation, residue mobility, and thermodynamic stability) performed at Invitae indicates that this missense variant is not expected to disrupt AHI1 protein function. In summary, the available evidence is currently insufficient to determine the role of this variant in disease. Therefore, it has been classified as a Variant of Uncertain Significance.